The following is an entry in ClinVar:

NM_001042492.3(NF1):c.4111-4G>A

Gene: NF1 (neurofibromin 1; plus strand). Cytogenetic location: 17q11.2.
Variant type: single nucleotide variant.
Coding change: c.4111-4G>A on transcript NM_001042492.3 (MANE Select); 4 bases into the intron before coding-DNA position 4111, G replaced by A.
Molecular consequence: intron variant.
Genome position (GRCh38, 1-based): chr17:31,252,934, G>A. VCF-style: chr17-31252934-G-A. GRCh37 (hg19) VCF-style: chr17-29579952-G-A.
Other names: c.4110+3815G>A (NM_000267.4).
Identifiers: ClinVar variation 185493 (VCV000185493.29), dbSNP rs764877783, ClinGen allele CA192105.

ClinVar aggregate classification (germline): Conflicting classifications of pathogenicity. Review status: criteria provided, conflicting classifications (1 of 4 stars). 6 submissions from 6 submitters: Uncertain significance (4); Likely benign (1). 1 of the submissions does not count toward it. Last evaluated 2026-05-13.

Conditions:
NF1-related disorder. Also called: NF1-related condition. Identifiers: MedGen CN379171.
Hereditary cancer-predisposing syndrome. Also called: Tumor predisposition; Neoplastic Syndromes, Hereditary; Hereditary Cancer Syndrome; Hereditary neoplastic syndrome. Identifiers: Orphanet 140162, MedGen C0027672, MeSH D009386, MONDO:0015356.
Neurofibromatosis, type 1 (NF1). Also called: Peripheral type neurofibromatosis; Neurofibromatosis, type I; NEUROFIBROMATOSIS, TYPE I, SOMATIC; VON RECKLINGHAUSEN DISEASE. Identifiers: Orphanet 636, MedGen C0027831, MONDO:0018975, OMIM 162200. Disease mechanism: loss of function.
Café-au-lait macules with pulmonary stenosis (WTSN). Also called: PULMONIC STENOSIS WITH CAFE-AU-LAIT SPOTS. Identifiers: MedGen C0553586, MONDO:0008672, OMIM 193520.
Neurofibromatosis-Noonan syndrome (NFNS). Also called: NEUROFIBROMATOSIS WITH NOONAN PHENOTYPE. Identifiers: Orphanet 638, MedGen C2931482, MONDO:0011035, OMIM 601321. Disease mechanism: loss of function.
Neurofibromatosis, familial spinal (FSNF). Identifiers: Orphanet 636, MedGen C1834235, MONDO:0008078, OMIM 162210. Disease mechanism: loss of function.
Juvenile myelomonocytic leukemia (JMML). Also called: LEUKEMIA, JUVENILE MYELOMONOCYTIC, SOMATIC. Identifiers: Orphanet 86834, MedGen C0349639, MONDO:0011908, OMIM 607785, HP:0012209.

Allele frequency attached by ClinVar (database versions not stated): gnomAD exomes 0.00002; gnomAD 0.00003 and 0.00004; ExAC 0.00001; TOPMed 0.00001.
gnomAD v4.1: 34 of 1,613,050 alleles (0.0021%); highest among the groups gnomAD compares: Non-Finnish European, 0.0028%; no homozygotes.

Submissions (6):

Myriad Genetics, Inc.
Classification: Likely benign for Neurofibromatosis, type 1. Last evaluated: 2026-05-13. Review status: criteria provided, single submitter. Criteria: Myriad Autosomal Dominant, Autosomal Recessive and X-Linked Classification Criteria (2023). Collection method: clinical testing. Allele origin: unknown.
Comment: This variant is considered likely benign. This variant is intronic and is not expected to impact mRNA splicing.

Blueprint Genetics
Classification: Uncertain significance. Last evaluated: 2024-01-09. Review status: criteria provided, single submitter. Criteria: ACMG Guidelines, 2015. Collection method: clinical testing. Allele origin: germline.

CeGaT Center for Human Genetics Tuebingen
Classification: Uncertain significance. Last evaluated: 2022-12-01. Review status: criteria provided, single submitter. Criteria: CeGaT Center For Human Genetics Tuebingen Variant Classification Criteria Version 2. Collection method: clinical testing. Allele origin: germline. Affected: yes. Observed: 1 variant allele.
Comment: NF1: PM2:Supporting, BP4

Fulgent Genetics
Classification: Uncertain significance for Neurofibromatosis, type 1; Neurofibromatosis, familial spinal; Café-au-lait macules with pulmonary stenosis; Neurofibromatosis-Noonan syndrome; Juvenile myelomonocytic leukemia. Last evaluated: 2021-07-23. Review status: criteria provided, single submitter. Criteria: ACMG Guidelines, 2015. Collection method: clinical testing. Allele origin: unknown.

Ambry Genetics
Classification: Uncertain significance for Hereditary cancer-predisposing syndrome. Last evaluated: 2015-08-10. Review status: criteria provided, single submitter. Criteria: Ambry Autosomal Dominant and X-Linked criteria (10/2015). Collection method: clinical testing. Allele origin: germline. Observed: 1 variant allele.
Comment: Insufficient or conflicting evidence

PreventionGenetics, part of Exact Sciences
Classification: Likely benign for NF1-related condition. Last evaluated: 2021-04-12. Review status: no assertion criteria provided. Collection method: clinical testing. Allele origin: germline. Not counted in ClinVar's aggregate classification.
Comment: This variant is classified as likely benign based on ACMG/AMP sequence variant interpretation guidelines (Richards et al. 2015 PMID: 25741868, with internal and published modifications).